The following is an entry in ClinVar:

NM_000051.4(ATM):c.4236+2T>C

Gene: ATM (ATM serine/threonine kinase; plus strand). Cytogenetic location: 11q22.3.
Variant type: single nucleotide variant.
Coding change: c.4236+2T>C on transcript NM_000051.4 (MANE Select); the canonical splice donor site of the intron after coding-DNA position 4236, T replaced by C.
Molecular consequence: splice donor variant.
Genome position (GRCh38, 1-based): chr11:108,289,105, T>C. VCF-style: chr11-108289105-T-C. GRCh37 (hg19) VCF-style: chr11-108159832-T-C.
Other names: c.4236+2T>C (NM_001351834.2).
Identifiers: ClinVar variation 1709343 (VCV001709343.3), dbSNP rs1229926683, ClinGen allele CA382530767.

ClinVar aggregate classification (germline): Pathogenic/Likely pathogenic. Review status: criteria provided, multiple submitters, no conflicts (2 of 4 stars). 2 submissions from 2 submitters: Pathogenic (1); Likely pathogenic (1). Last evaluated 2025-02-18.

Conditions:
Hereditary breast ovarian cancer syndrome. Also called: Hereditary breast and ovarian cancer syndrome (HBOC); Breast and ovarian cancer; BRCA1- and BRCA2-Associated Hereditary Breast and Ovarian Cancer; Hereditary breast and ovarian cancer syndrome; Hereditary breast and/or ovarian cancer syndrome; Hereditary breast and ovarian cancer. Identifiers: Orphanet 145, MedGen C0677776, MeSH D061325, MONDO:0003582. Disease mechanism: loss of function.
Familial cancer of breast. Also called: hereditary breast carcinoma; Hereditary breast cancer; BREAST CANCER, FAMILIAL. Identifiers: Orphanet 227535, MedGen C0346153, MONDO:0016419, OMIM 114480. Disease mechanism: loss of function.

Submissions (2):

German Consortium for Hereditary Breast and Ovarian Cancer, University Hospital Cologne
Classification: Pathogenic for Hereditary breast ovarian cancer syndrome. Last evaluated: 2025-02-18. Review status: criteria provided, single submitter. Criteria: ClinGen ATM V1.3.0. Collection method: curation. Allele origin: germline.
Comment: According to the ClinGen ACMG ATM v1.3.0 criteria we chose these criteria: PVS1 (very strong pathogenic): as per VCEP Specifications ATM PVS1 decision tree, PM2 (supporting pathogenic): not in gnomAD v4, PM3 (supporting pathogenic): described in AT patients PMID: 38917355

MGZ Medical Genetics Center
Classification: Likely pathogenic for Familial cancer of breast. Last evaluated: 2022-03-31. Review status: criteria provided, single submitter. Criteria: ACMG Guidelines, 2015. Collection method: clinical testing. Allele origin: germline. Affected: yes. Observed: 1 variant allele.
Comment: ACMG criteria applied: PVS1, PM2_SUP